The following is an entry in ClinVar:

NM_000057.4(BLM):c.2428G>C (p.Asp810His)

Gene: BLM (BLM RecQ like helicase; plus strand). Cytogenetic location: 15q26.1.
Variant type: single nucleotide variant.
Coding change: c.2428G>C on transcript NM_000057.4 (MANE Select); coding-DNA position 2428, G replaced by C.
Protein change: p.Asp810His; replaces aspartic acid 810 with histidine.
Molecular consequence: missense variant.
Genome position (GRCh38, 1-based): chr15:90,769,459, G>C. VCF-style: chr15-90769459-G-C. GRCh37 (hg19) VCF-style: chr15-91312689-G-C.
Other names: c.2428G>C, p.Asp810His (NM_001287246.2, NM_001287247.2); c.1303G>C, p.Asp435His (NM_001287248.2); short protein forms D810H, D435H.
Identifiers: ClinVar variation 405302 (VCV000405302.15), dbSNP rs765143263, ClinGen allele CA7738774.

ClinVar aggregate classification (germline): Uncertain significance. Review status: criteria provided, multiple submitters, no conflicts (2 of 4 stars). 2 submissions from 2 submitters: Uncertain significance (2). Last evaluated 2026-01-14.

Conditions:
Hereditary cancer-predisposing syndrome. Also called: Hereditary Cancer Syndrome; Hereditary neoplastic syndrome; Neoplastic Syndromes, Hereditary; Tumor predisposition. Identifiers: Orphanet 140162, MedGen C0027672, MeSH D009386, MONDO:0015356.
Bloom syndrome (BLM). Also called: Bloom-Torre-Machacek syndrome. Identifiers: Orphanet 125, MedGen C0005859, MONDO:0008876, OMIM 210900.

Allele frequency attached by ClinVar (database versions not stated): ExAC 0.00001; gnomAD exomes 0.00001.
gnomAD v4.1: 3 of 1,614,124 alleles (0.00019%); highest among the groups gnomAD compares: Non-Finnish European, 0.00025%; no homozygotes.

Submissions (2):

Labcorp Genetics (formerly Invitae), Labcorp
Classification: Uncertain significance for Bloom syndrome. Last evaluated: 2026-01-14. Review status: criteria provided, single submitter. Criteria: Invitae Variant Classification Sherloc (09022015). Collection method: clinical testing. Allele origin: germline.
Comment: This sequence change replaces aspartic acid, which is acidic and polar, with histidine, which is basic and polar, at codon 810 of the BLM protein (p.Asp810His). This variant is not present in population databases (gnomAD no frequency). This variant has not been reported in the literature in individuals affected with BLM-related conditions. ClinVar contains an entry for this variant (Variation ID: 405302). Invitae Evidence Modeling of protein sequence and biophysical properties (such as structural, functional, and spatial information, amino acid conservation, physicochemical variation, residue mobility, and thermodynamic stability) indicates that this missense variant is expected to disrupt BLM protein function with a positive predictive value of 80%. In summary, the available evidence is currently insufficient to determine the role of this variant in disease. Therefore, it has been classified as a Variant of Uncertain Significance.

Ambry Genetics
Classification: Uncertain significance for Hereditary cancer-predisposing syndrome. Last evaluated: 2024-09-26. Review status: criteria provided, single submitter. Criteria: Ambry Variant Classification Scheme 2023. Collection method: clinical testing. Allele origin: germline.
Comment: The p.D810H variant (also known as c.2428G>C), located in coding exon 11 of the BLM gene, results from a G to C substitution at nucleotide position 2428. The aspartic acid at codon 810 is replaced by histidine, an amino acid with similar properties. This amino acid position is highly conserved in available vertebrate species. In addition, this alteration is predicted to be deleterious by in silico analysis. Since supporting evidence is limited at this time, the clinical significance of this alteration remains unclear.